The following is an entry in ClinVar:

NM_021076.4(NEFH):c.784G>T (p.Ala262Ser)

Gene: NEFH (neurofilament heavy chain; plus strand). Cytogenetic location: 22q12.2.
Variant type: single nucleotide variant.
Coding change: c.784G>T on transcript NM_021076.4 (MANE Select); coding-DNA position 784, G replaced by T.
Protein change: p.Ala262Ser; replaces alanine 262 with serine.
Molecular consequence: missense variant.
Genome position (GRCh38, 1-based): chr22:29,481,046, G>T. VCF-style: chr22-29481046-G-T. GRCh37 (hg19) VCF-style: chr22-29877035-G-T.
Other names: short protein forms A262S.
Identifiers: ClinVar variation 2094318 (VCV002094318.4), dbSNP rs779481112, ClinGen allele CA411124065.

ClinVar aggregate classification (germline): Uncertain significance (1 of 4 stars; one submission).

gnomAD v4.1: 1 of 1,531,868 alleles (0.000065%); highest among the groups gnomAD compares: Non-Finnish European, 0.000087%; no homozygotes.

Submission:

Labcorp Genetics (formerly Invitae), Labcorp
Classification: Uncertain significance. Last evaluated: 2022-04-30. Review status: criteria provided, single submitter. Criteria: Invitae Variant Classification Sherloc (09022015). Collection method: clinical testing. Allele origin: germline.
Comment: In summary, the available evidence is currently insufficient to determine the role of this variant in disease. Therefore, it has been classified as a Variant of Uncertain Significance. Advanced modeling of protein sequence and biophysical properties (such as structural, functional, and spatial information, amino acid conservation, physicochemical variation, residue mobility, and thermodynamic stability) performed at Invitae indicates that this missense variant is not expected to disrupt NEFH protein function. This variant has not been reported in the literature in individuals affected with NEFH-related conditions. This variant is not present in population databases (gnomAD no frequency). This sequence change replaces alanine, which is neutral and non-polar, with serine, which is neutral and polar, at codon 262 of the NEFH protein (p.Ala262Ser).